The following is an entry in ClinVar:

NM_139057.4(ADAMTS17):c.1445_1446inv (p.Met482Thr)

Gene: ADAMTS17 (ADAM metallopeptidase with thrombospondin type 1 motif 17; minus strand). Cytogenetic location: 15q26.3.
Variant type: Inversion.
Coding change: c.1445_1446inv on transcript NM_139057.4 (MANE Select).
Protein change: p.Met482Thr; replaces methionine 482 with threonine.
Molecular consequence: missense variant.
Genome position: GRCh38 VCF-style: chr15-100152639-CA-TG. GRCh37 (hg19) VCF-style: chr15-100692844-CA-TG.
Other names: short protein forms M482T.
Identifiers: ClinVar variation 1504478 (VCV001504478.6), ClinGen allele CA2573150638.

ClinVar aggregate classification (germline): Uncertain significance (1 of 4 stars; one submission).

Submission:

Labcorp Genetics (formerly Invitae), Labcorp
Classification: Uncertain significance. Last evaluated: 2024-05-31. Review status: criteria provided, single submitter. Criteria: Invitae Variant Classification Sherloc (09022015). Collection method: clinical testing. Allele origin: germline.
Comment: This sequence change replaces methionine, which is neutral and non-polar, with threonine, which is neutral and polar, at codon 482 of the ADAMTS17 protein (p.Met482Thr). This variant is present in population databases (no rsID available, gnomAD 0.009%). This variant has not been reported in the literature in individuals affected with ADAMTS17-related conditions. ClinVar contains an entry for this variant (Variation ID: 1504478). An algorithm developed to predict the effect of missense changes on protein structure and function (PolyPhen-2) suggests that this variant¬†is likely to be tolerated. In summary, the available evidence is currently insufficient to determine the role of this variant in disease. Therefore, it has been classified as a Variant of Uncertain Significance.